The following is an entry in ClinVar:

NM_018109.4(MTPAP):c.1183A>G (p.Ile395Val)

Gene: MTPAP (mitochondrial poly(A) polymerase; minus strand). Cytogenetic location: 10p11.23.
Variant type: single nucleotide variant.
Coding change: c.1183A>G on transcript NM_018109.4 (MANE Select); coding-DNA position 1183, A replaced by G.
Protein change: p.Ile395Val; replaces isoleucine 395 with valine.
Molecular consequence: missense variant.
Genome position (GRCh38, 1-based): chr10:30,322,427, T>C on the plus strand (A>G on the coding strand, the complement: MTPAP is on the minus strand). VCF-style: chr10-30322427-T-C. GRCh37 (hg19) VCF-style: chr10-30611356-T-C.
Other names: short protein forms I395V.
Identifiers: ClinVar variation 1947873 (VCV001947873.5), dbSNP rs2538452389, ClinGen allele CA376436291.

ClinVar aggregate classification (germline): Uncertain significance (1 of 4 stars; one submission).

Allele frequency attached by ClinVar (database versions not stated): gnomAD exomes 0.00001.
gnomAD v4.1: 10 of 1,612,960 alleles (0.00062%); highest among the groups gnomAD compares: South Asian, 0.0033%; no homozygotes.

Submission:

Labcorp Genetics (formerly Invitae), Labcorp
Classification: Uncertain significance. Last evaluated: 2022-12-09. Review status: criteria provided, single submitter. Criteria: Invitae Variant Classification Sherloc (09022015). Collection method: clinical testing. Allele origin: germline.
Comment: This sequence change replaces isoleucine, which is neutral and non-polar, with valine, which is neutral and non-polar, at codon 395 of the MTPAP protein (p.Ile395Val). This variant is not present in population databases (gnomAD no frequency). This variant has not been reported in the literature in individuals affected with MTPAP-related conditions. Advanced modeling of protein sequence and biophysical properties (such as structural, functional, and spatial information, amino acid conservation, physicochemical variation, residue mobility, and thermodynamic stability) performed at Invitae indicates that this missense variant is not expected to disrupt MTPAP protein function. In summary, the available evidence is currently insufficient to determine the role of this variant in disease. Therefore, it has been classified as a Variant of Uncertain Significance.